The following is an entry in ClinVar:

NM_001105206.3(LAMA4):c.1561G>C (p.Glu521Gln)

Gene: LAMA4 (laminin subunit alpha 4; minus strand). Cytogenetic location: 6q21.
Variant type: single nucleotide variant.
Coding change: c.1561G>C on transcript NM_001105206.3 (MANE Select); coding-DNA position 1561, G replaced by C.
Protein change: p.Glu521Gln; replaces glutamic acid 521 with glutamine.
Molecular consequence: missense variant.
Genome position (GRCh38, 1-based): chr6:112,165,267, C>G on the plus strand (G>C on the coding strand, the complement: LAMA4 is on the minus strand). VCF-style: chr6-112165267-C-G. GRCh37 (hg19) VCF-style: chr6-112486469-C-G.
Other names: c.1540G>C, p.Glu514Gln (NM_001105207.3, NM_002290.5); short protein forms E521Q, E514Q.
Identifiers: ClinVar variation 4776271 (VCV004776271.1).

ClinVar aggregate classification (germline): Uncertain significance (1 of 4 stars; one submission).

Conditions:
Dilated cardiomyopathy 1JJ (CMD1JJ). Identifiers: Orphanet 154, MedGen C3808935, MONDO:0014095, OMIM 615235.

gnomAD v4.1: 6 of 1,609,386 alleles (0.00037%); highest among the groups gnomAD compares: Admixed American, 0.0017%; no homozygotes.

Submission:

Labcorp Genetics (formerly Invitae), Labcorp
Classification: Uncertain significance for Dilated cardiomyopathy 1JJ. Last evaluated: 2025-05-14. Review status: criteria provided, single submitter. Criteria: Invitae Variant Classification Sherloc (09022015). Collection method: clinical testing. Allele origin: germline.
Comment: This sequence change replaces glutamic acid, which is acidic and polar, with glutamine, which is neutral and polar, at codon 514 of the LAMA4 protein (p.Glu514Gln). This variant is present in population databases (rs781950243, gnomAD 0.002%). This variant has not been reported in the literature in individuals affected with LAMA4-related conditions. Invitae Evidence Modeling of protein sequence and biophysical properties (such as structural, functional, and spatial information, amino acid conservation, physicochemical variation, residue mobility, and thermodynamic stability) indicates that this missense variant is not expected to disrupt LAMA4 protein function with a negative predictive value of 80%. In summary, the available evidence is currently insufficient to determine the role of this variant in disease. Therefore, it has been classified as a Variant of Uncertain Significance.